The following is an entry in ClinVar:

ClinVar aggregate classification (germline): Likely benign (1 of 4 stars; one submission).

Conditions:
Hereditary diffuse gastric adenocarcinoma (HDGC). Also called: DIFFUSE GASTRIC AND LOBULAR BREAST CANCER SYNDROME. Identifiers: Orphanet 26106, MedGen C1708349, MONDO:0007648, OMIM 137215.

Submission:

Myriad Genetics, Inc.
Classification: Likely benign for Hereditary diffuse gastric adenocarcinoma. Last evaluated: 2024-09-17. Review status: criteria provided, single submitter. Criteria: Myriad Autosomal Dominant, Autosomal Recessive and X-Linked Classification Criteria (2023). Collection method: clinical testing. Allele origin: unknown.
Comment: This variant is considered likely benign. This variant is intronic and is not expected to impact mRNA splicing.

NM_004360.5(CDH1):c.1008+7G>A

Gene: CDH1 (cadherin 1; plus strand). Cytogenetic location: 16q22.1.
Variant type: single nucleotide variant.
Coding change: c.1008+7G>A on transcript NM_004360.5 (MANE Select); 7 bases into the intron after coding-DNA position 1008, G replaced by A.
Molecular consequence: intron variant.
Genome position (GRCh38, 1-based): chr16:68,811,866, G>A. VCF-style: chr16-68811866-G-A. GRCh37 (hg19) VCF-style: chr16-68845769-G-A.
Other names: c.-608+7G>A (NM_001317185.2); c.-812+7G>A (NM_001317186.2); c.1008+7G>A (NM_001317184.2).
Identifiers: ClinVar variation 3378892 (VCV003378892.1).